The following is an entry in ClinVar:

NM_000256.3(MYBPC3):c.2716del (p.Val906fs)

Gene: MYBPC3 (myosin binding protein C3; minus strand). Cytogenetic location: 11p11.2.
Variant type: Deletion.
Coding change: c.2716del on transcript NM_000256.3 (MANE Select); coding-DNA position 2716, one base deleted (G; older notation c.2716delG).
Protein change: p.Val906fs; shifts the reading frame from valine 906.
Molecular consequence: frameshift variant.
Genome position (GRCh38, 1-based): chr11:47,335,898, C deleted on the plus strand (G on the coding strand, the reverse complement: MYBPC3 is on the minus strand). VCF-style (leftmost placement, unchanged base first): chr11-47335897-AC-A. GRCh37 (hg19) VCF-style: chr11-47357448-AC-A.
Other names: c.2716del, p.Val906fs (LRG_386t1); c.2716delG (NM_000256.3); short protein forms V906fs.
Identifiers: ClinVar variation 280011 (VCV000280011.2), dbSNP rs886041320, ClinGen allele CA10603212.

ClinVar aggregate classification (germline): Pathogenic (1 of 4 stars; one submission).

Submission:

GeneDx
Classification: Pathogenic. Last evaluated: 2018-06-18. Review status: criteria provided, single submitter. Criteria: GeneDx Variant Classification (06012015). Collection method: clinical testing. Allele origin: germline. Affected: yes.
Comment: The c.2716delG pathogenic variant in the MYBPC3 gene has been reported in one patient with HCM (Wang et al., 2014). This variant causes a shift in reading frame starting at codon Valine 906, changing it to a Tryptophan, and creating a premature stop codon at position 18 of the new reading frame, denoted p.Val906TrpfsX18. This pathogenic variant is expected to result in either an abnormal, truncated protein product or loss of protein from this allele through nonsense-mediated mRNA decay. Other frameshift variants in the MYBPC3 gene have been reported in HGMD in association with cardiomyopathy (Stenson et al., 2014). Furthermore, the c.2716delG variant was not observed in approximately 6,100 individuals of European and African American ancestry in the NHLBI Exome Sequencing Project, indicating it is not a common benign variant in these populations. In summary, c.2716delG in the MYBPC3 gene is interpreted as a pathogenic variant.